The following is an entry in ClinVar:

NM_001371986.1(UNC80):c.2918A>G (p.Glu973Gly)

Gene: UNC80 (unc-80 subunit of NALCN channel complex; plus strand). Cytogenetic location: 2q34.
Variant type: single nucleotide variant.
Coding change: c.2918A>G on transcript NM_001371986.1 (MANE Select); coding-DNA position 2918, A replaced by G.
Protein change: p.Glu973Gly; replaces glutamic acid 973 with glycine.
Molecular consequence: missense variant.
Genome position (GRCh38, 1-based): chr2:209,834,144, A>G. VCF-style: chr2-209834144-A-G. GRCh37 (hg19) VCF-style: chr2-210698868-A-G.
Other names: c.2918A>G, p.Glu973Gly (NM_032504.2); c.2903A>G, p.Glu968Gly (NM_182587.4); c.2918A>G (NM_032504.1); short protein forms E973G, E968G.
Identifiers: ClinVar variation 2821323 (VCV002821323.4), dbSNP rs2153828828, ClinGen allele CA350411744.
Genomic context (GRCh38, chr2:209,834,144, plus strand): 5'-CTCTGCTTGACAGTGCCGAGAAGTTAGCACCAGGGAAAAAGGTGGAGGAGAATGAACAGG[A>G]ATCTAAGCCTGCAGGCAGTAAAAGGTTGGAAGCTTGAACTCTCTGAATATTACTGTTTGC-3'
Protein context (NP_001358915.1, residues 963-983): PGKKVEENEQ[Glu973Gly]SKPAGSKRSE

ClinVar aggregate classification (germline): Uncertain significance. Review status: criteria provided, multiple submitters, no conflicts (2 of 4 stars). 2 submissions from 2 submitters: Uncertain significance (2). Last evaluated 2025-08-04.

Conditions:
Inborn genetic diseases. Identifiers: MedGen C0950123, MeSH D030342.

Submissions (2):

Ambry Genetics
Classification: Uncertain significance for Inborn genetic diseases. Last evaluated: 2025-08-04. Review status: criteria provided, single submitter. Criteria: Ambry Variant Classification Scheme 2023. Collection method: clinical testing. Allele origin: germline.

Labcorp Genetics (formerly Invitae), Labcorp
Classification: Uncertain significance. Last evaluated: 2023-03-30. Review status: criteria provided, single submitter. Criteria: Invitae Variant Classification Sherloc (09022015). Collection method: clinical testing. Allele origin: germline.
Comment: In summary, the available evidence is currently insufficient to determine the role of this variant in disease. Therefore, it has been classified as a Variant of Uncertain Significance. An algorithm developed to predict the effect of missense changes on protein structure and function (PolyPhen-2) suggests that this variant is likely to be tolerated. This variant has not been reported in the literature in individuals affected with UNC80-related conditions. This variant is not present in population databases (gnomAD no frequency). This sequence change replaces glutamic acid, which is acidic and polar, with glycine, which is neutral and non-polar, at codon 973 of the UNC80 protein (p.Glu973Gly).